The following is an entry in ClinVar:

NM_001039141.3(TRIOBP):c.6393_6416del (p.His2132_Arg2139del)

Gene: TRIOBP (TRIO and F-actin binding protein; plus strand). Cytogenetic location: 22q13.1.
Variant type: Deletion.
Coding change: c.6393_6416del on transcript NM_001039141.3 (MANE Select); coding-DNA positions 6393 to 6416, 24 bases deleted (GCACCACGAGCGGGAGCTGCAGCG).
Protein change: p.His2132_Arg2139del.
Molecular consequence: inframe deletion.
Genome position (GRCh38, 1-based): chr22:37,765,738-37,765,761, GCACCACGAGCGGGAGCTGCAGCG deleted; deleting any 24 consecutive bases within chr22:37,765,726-37,765,761 gives the same sequence; the c. name uses the placement nearest the transcript's 3' end. VCF-style (leftmost placement, unchanged base first): chr22-37765725-AGGAGCTGCAGCGGCACCACGAGCG-A. GRCh37 (hg19) VCF-style: chr22-38161732-AGGAGCTGCAGCGGCACCACGAGCG-A.
Other names: c.1254_1277del, p.His419_Arg426del (NM_007032.5).
Identifiers: ClinVar variation 1801122 (VCV001801122.1), dbSNP rs1926456942, ClinGen allele CA1025569079.

ClinVar aggregate classification (germline): Uncertain significance (1 of 4 stars; one submission).

Submission:

GeneDx
Classification: Uncertain significance. Last evaluated: 2022-05-26. Review status: criteria provided, single submitter. Criteria: GeneDx Variant Classification Process June 2021. Collection method: clinical testing. Allele origin: germline. Affected: yes.
Comment: Not observed at significant frequency in large population cohorts (gnomAD); In-frame deletion of 8 amino acids in a non-repeat region; In silico analysis supports a deleterious effect on protein structure/function; Has not been previously published as pathogenic or benign to our knowledge